The following is an entry in ClinVar:

ClinVar aggregate classification (germline): Uncertain significance (1 of 4 stars; one submission).

Conditions:
HTR2C-related disorder. Also called: HTR2C-related condition.

Allele frequency attached by ClinVar (database versions not stated): gnomAD exomes 0.00008; ESP Exome Variant Server 0.00009; TOPMed 0.00009; gnomAD 0.00010; ExAC 0.00013.
gnomAD v4.1: 95 of 1,208,158 alleles (0.0079%); highest among the groups gnomAD compares: Admixed American, 0.048%; no homozygotes.

Submission:

PreventionGenetics, part of Exact Sciences
Classification: Uncertain significance for HTR2C-related condition. Last evaluated: 2026-08-11. Review status: criteria provided, single submitter. Criteria: ACMG Guidelines, 2015. Collection method: clinical testing. Allele origin: germline.
Comment: The HTR2C c.181G>A variant is predicted to result in the amino acid substitution p.Val61Ile. This variant was previously identified in individuals with obesity; however, this variant was not associated with BMI in single-variant analyses (He et al. 2022. PubMed ID: 36536256). Additionally, this variant is reported in 0.043% of alleles in individuals of Latino descent in gnomAD, including four hemizygotes. Although we suspect that this variant may be benign, at this time, the clinical significance of this variant is uncertain due to the absence of conclusive functional and genetic evidence.

NM_000868.4(HTR2C):c.181G>A (p.Val61Ile)

Gene: HTR2C (5-hydroxytryptamine receptor 2C; plus strand). Cytogenetic location: Xq23.
Variant type: single nucleotide variant.
Coding change: c.181G>A on transcript NM_000868.4 (MANE Select); coding-DNA position 181, G replaced by A.
Protein change: p.Val61Ile; replaces valine 61 with isoleucine.
Molecular consequence: missense variant.
Genome position (GRCh38, 1-based): chrX:114,731,439, G>A. VCF-style: chrX-114731439-G-A. GRCh37 (hg19) VCF-style: chrX-113965848-G-A.
Other names: c.181G>A, p.Val61Ile (NM_001256760.3, NM_001256761.3); short protein forms V61I.
Identifiers: ClinVar variation 2634178 (VCV002634178.4), dbSNP rs371347099, ClinGen allele CA10495407.